The following is an entry in ClinVar:

NM_152468.5(TMC8):c.1195A>G (p.Ile399Val)

Gene: TMC8 (transmembrane channel like 8; plus strand). Cytogenetic location: 17q25.3.
Variant type: single nucleotide variant.
Coding change: c.1195A>G on transcript NM_152468.5 (MANE Select); coding-DNA position 1195, A replaced by G.
Protein change: p.Ile399Val; replaces isoleucine 399 with valine.
Molecular consequence: missense variant.
Genome position (GRCh38, 1-based): chr17:78,137,302, A>G. VCF-style: chr17-78137302-A-G. GRCh37 (hg19) VCF-style: chr17-76133383-A-G.
Other names: short protein forms I399V.
Identifiers: ClinVar variation 948682 (VCV000948682.10), dbSNP rs2075258218, ClinGen allele CA401247737.
Genomic context (GRCh38, chr17:78,137,302, plus strand): 5'-GTGCTGAAGCTGGCCAGCTTGGGGATGTTCTCCGTCTCCCTGGGTCAGACCATACTGTGC[A>G]TTGGCAGAGACAAGAGCAGCTGTGAGTCCTACGGCTACAACGTTTGTGACTATCAGGTGG-3'
Protein context (NP_689681.2, residues 389-409): SVSLGQTILC[Ile399Val]GRDKSSCESY

ClinVar aggregate classification (germline): Uncertain significance (1 of 4 stars; one submission).

Conditions:
Epidermodysplasia verruciformis. Identifiers: Orphanet 302, MedGen C0014522, MONDO:0009176.

Submission:

Labcorp Genetics (formerly Invitae), Labcorp
Classification: Uncertain significance for Epidermodysplasia verruciformis. Last evaluated: 2019-05-01. Review status: criteria provided, single submitter. Criteria: Invitae Variant Classification Sherloc (09022015). Collection method: clinical testing. Allele origin: germline.
Comment: In summary, the available evidence is currently insufficient to determine the role of this variant in disease. Therefore, it has been classified as a Variant of Uncertain Significance. Algorithms developed to predict the effect of missense changes on protein structure and function output the following: SIFT: "Tolerated"; PolyPhen-2: "Benign"; Align-GVGD: "Class C0". The valine amino acid residue is found in multiple mammalian species, suggesting that this missense change does not adversely affect protein function. These predictions have not been confirmed by published functional studies and their clinical significance is uncertain. This variant has not been reported in the literature in individuals with TMC8-related conditions. This variant is not present in population databases (ExAC no frequency). This sequence change replaces isoleucine with valine at codon 399 of the TMC8 protein (p.Ile399Val). The isoleucine residue is weakly conserved and there is a small physicochemical difference between isoleucine and valine.